The following is an entry in ClinVar:

ClinVar aggregate classification (germline): Uncertain significance. Review status: criteria provided, multiple submitters, no conflicts (2 of 4 stars). 5 submissions from 5 submitters: Uncertain significance (5). Last evaluated 2025-05-07.

Conditions:
Hereditary cancer-predisposing syndrome. Also called: Neoplastic Syndromes, Hereditary; Hereditary neoplastic syndrome; Tumor predisposition; Hereditary Cancer Syndrome. Identifiers: Orphanet 140162, MedGen C0027672, MeSH D009386, MONDO:0015356.
Ataxia-telangiectasia syndrome (AT). Also called: Ataxia telangiectasia (A-T); Cerebello-oculocutaneous telangiectasia; Immunodeficiency with ataxia telangiectasia; LOUIS-BAR SYNDROME; AT, COMPLEMENTATION GROUP C; ATAXIA-TELANGIECTASIA, FRESNO VARIANT. Identifiers: Orphanet 100, MedGen C0004135, MONDO:0008840, OMIM 208900.

Allele frequency attached by ClinVar (database versions not stated): gnomAD exomes below 0.00001; TOPMed below 0.00001.
gnomAD v4.1: 2 of 1,613,936 alleles (0.00012%); highest among the groups gnomAD compares: Non-Finnish European, 0.00017%; no homozygotes.

Submissions (5):

Labcorp Genetics (formerly Invitae), Labcorp
Classification: Uncertain significance for Ataxia-telangiectasia syndrome. Last evaluated: 2025-05-07. Review status: criteria provided, single submitter. Criteria: Invitae Variant Classification Sherloc (09022015). Collection method: clinical testing. Allele origin: germline.
Comment: This sequence change replaces alanine, which is neutral and non-polar, with valine, which is neutral and non-polar, at codon 2787 of the ATM protein (p.Ala2787Val). This variant is present in population databases (no rsID available, gnomAD 0.0009%). This variant has not been reported in the literature in individuals affected with ATM-related conditions. ClinVar contains an entry for this variant (Variation ID: 243110). Invitae Evidence Modeling of protein sequence and biophysical properties (such as structural, functional, and spatial information, amino acid conservation, physicochemical variation, residue mobility, and thermodynamic stability) indicates that this missense variant is expected to disrupt ATM protein function with a positive predictive value of 80%. In summary, the available evidence is currently insufficient to determine the role of this variant in disease. Therefore, it has been classified as a Variant of Uncertain Significance.

Ambry Genetics
Classification: Uncertain significance for Hereditary cancer-predisposing syndrome. Last evaluated: 2024-05-27. Review status: criteria provided, single submitter. Criteria: Ambry Variant Classification Scheme 2023. Collection method: clinical testing. Allele origin: germline.
Comment: The p.A2787V variant (also known as c.8360C>T), located in coding exon 56 of the ATM gene, results from a C to T substitution at nucleotide position 8360. The alanine at codon 2787 is replaced by valine, an amino acid with similar properties. This amino acid position is highly conserved in available vertebrate species. In addition, this alteration is predicted to be deleterious by in silico analysis. Based on the available evidence, the clinical significance of this variant remains unclear.

GeneDx
Classification: Uncertain significance. Last evaluated: 2024-01-21. Review status: criteria provided, single submitter. Criteria: GeneDx Variant Classification Process June 2021. Collection method: clinical testing. Allele origin: germline. Affected: yes.
Comment: Not observed at significant frequency in large population cohorts (gnomAD); In silico analysis supports that this missense variant does not alter protein structure/function; Has not been previously published as pathogenic or benign to our knowledge; This variant is associated with the following publications: (PMID: 23532176)

Women's Health and Genetics/Laboratory Corporation of America, LabCorp
Classification: Uncertain significance. Last evaluated: 2023-05-15. Review status: criteria provided, single submitter. Criteria: LabCorp Variant Classification Summary - May 2015. Collection method: clinical testing. Allele origin: germline.
Comment: Variant summary: ATM c.8360C>T (p.Ala2787Val) results in a non-conservative amino acid change located in the Phosphatidylinositol 3-/4-kinase, catalytic domain (IPR000403) of the encoded protein sequence. Five of five in-silico tools predict a damaging effect of the variant on protein function. The variant allele was found at a frequency of 4e-06 in 251264 control chromosomes. The available data on variant occurrences in the general population are insufficient to allow any conclusion about variant significance. To our knowledge, no occurrence of c.8360C>T in individuals affected with Ataxia-Telangiectasia and no experimental evidence demonstrating its impact on protein function have been reported. Four clinical diagnostic laboratories have submitted clinical-significance assessments for this variant to ClinVar after 2014 without evidence for independent evaluation. All laboratories classified the variant as uncertain significance. Based on the evidence outlined above, the variant was classified as uncertain significance.

Color Diagnostics, LLC DBA Color Health
Classification: Uncertain significance for Hereditary cancer-predisposing syndrome. Last evaluated: 2022-11-07. Review status: criteria provided, single submitter. Criteria: ACMG Guidelines, 2015. Collection method: clinical testing. Allele origin: germline.
Comment: This missense variant replaces alanine with valine at codon 2787 of the ATM protein. Computational prediction is inconclusive regarding the impact of this variant on protein structure and function (internally defined REVEL score threshold 0.5 < inconclusive < 0.7, PMID: 27666373). To our knowledge, functional studies have not been reported for this variant. This variant has not been reported in individuals affected with hereditary cancer in the literature. This variant has been identified in 1/251264 chromosomes in the general population by the Genome Aggregation Database (gnomAD). The available evidence is insufficient to determine the role of this variant in disease conclusively. Therefore, this variant is classified as a Variant of Uncertain Significance.

NM_000051.4(ATM):c.8360C>T (p.Ala2787Val)

Genes: ATM (ATM serine/threonine kinase; plus strand), C11orf65 (chromosome 11 open reading frame 65; minus strand). Cytogenetic location: 11q22.3.
Variant type: single nucleotide variant.
Coding change: c.8360C>T on transcript NM_000051.4 (MANE Select); coding-DNA position 8360, C replaced by T.
Protein change: p.Ala2787Val; replaces alanine 2787 with valine.
Molecular consequence: missense variant. On other transcripts: intron variant (2).
Genome position (GRCh38, 1-based): chr11:108,343,313, C>T. VCF-style: chr11-108343313-C-T. GRCh37 (hg19) VCF-style: chr11-108214040-C-T.
Other names: c.8360C>T, p.Ala2787Val (NM_001351834.2); c.641-34242G>A (NM_001330368.2); c.695-8021G>A (NM_001351110.2); short protein forms A2787V.
Identifiers: ClinVar variation 243110 (VCV000243110.21), dbSNP rs879253877, ClinGen allele CA10584374.